The following is an entry in ClinVar:

NM_004187.5(KDM5C):c.1054T>A (p.Phe352Ile)

Gene: KDM5C (lysine demethylase 5C; minus strand). Cytogenetic location: Xp11.22.
Variant type: single nucleotide variant.
Coding change: c.1054T>A on transcript NM_004187.5 (MANE Select); coding-DNA position 1054, T replaced by A.
Protein change: p.Phe352Ile; replaces phenylalanine 352 with isoleucine.
Molecular consequence: missense variant. On other transcripts: non-coding transcript variant (3).
Genome position (GRCh38, 1-based): chrX:53,214,757, A>T on the plus strand (T>A on the coding strand, the complement: KDM5C is on the minus strand). VCF-style: chrX-53214757-A-T. GRCh37 (hg19) VCF-style: chrX-53243939-A-T.
Other names: c.853T>A, p.Phe285Ile (NM_001146702.2); c.1051T>A, p.Phe351Ile (NM_001282622.3, NM_001353979.2, NM_001353982.2); c.1054T>A, p.Phe352Ile (NM_001353978.3, NM_001353981.2, NM_001353984.2); short protein forms F351I, F352I, F285I.
Identifiers: ClinVar variation 2325975 (VCV002325975.2), dbSNP rs2519540697, ClinGen allele CA413132088.

ClinVar aggregate classification (germline): Uncertain significance (1 of 4 stars; one submission).

Conditions:
Inborn genetic diseases. Identifiers: MedGen C0950123, MeSH D030342.

Submission:

Ambry Genetics
Classification: Uncertain significance for Inborn genetic diseases. Last evaluated: 2022-12-22. Review status: criteria provided, single submitter. Criteria: Ambry Variant Classification Scheme 2023. Collection method: clinical testing. Allele origin: germline.
Comment: The c.1054T>A (p.F352I) alteration is located in exon 8 (coding exon 8) of the KDM5C gene. This alteration results from a T to A substitution at nucleotide position 1054, causing the phenylalanine (F) at amino acid position 352 to be replaced by an isoleucine (I). This variant was not reported in population-based cohorts in the Genome Aggregation Database (gnomAD). This amino acid position is not well conserved in available vertebrate species. This missense alteration is located in a region that has a low rate of benign missense variation (Lek, 2016; Firth, 2009). This alteration is predicted to be tolerated by in silico analysis. Based on insufficient or conflicting evidence, the clinical significance of this alteration remains unclear.